The following is an entry in ClinVar:

ClinVar aggregate classification (germline): Uncertain significance. Review status: criteria provided, multiple submitters, no conflicts (2 of 4 stars). 2 submissions from 2 submitters: Uncertain significance (2). Last evaluated 2024-11-18.

Submissions (2):

Labcorp Genetics (formerly Invitae), Labcorp
Classification: Uncertain significance. Last evaluated: 2024-11-18. Review status: criteria provided, single submitter. Criteria: Invitae Variant Classification Sherloc (09022015). Collection method: clinical testing. Allele origin: germline.
Comment: This sequence change replaces glycine, which is neutral and non-polar, with arginine, which is basic and polar, at codon 827 of the ATP8A2 protein (p.Gly827Arg). This variant is not present in population databases (gnomAD no frequency). This variant has not been reported in the literature in individuals affected with ATP8A2-related conditions. Invitae Evidence Modeling of protein sequence and biophysical properties (such as structural, functional, and spatial information, amino acid conservation, physicochemical variation, residue mobility, and thermodynamic stability) indicates that this missense variant is expected to disrupt ATP8A2 protein function with a positive predictive value of 80%. In summary, the available evidence is currently insufficient to determine the role of this variant in disease. Therefore, it has been classified as a Variant of Uncertain Significance.

GeneDx
Classification: Uncertain significance. Last evaluated: 2023-11-01. Review status: criteria provided, single submitter. Criteria: GeneDx Variant Classification Process June 2021. Collection method: clinical testing. Allele origin: germline. Affected: yes.
Comment: Not observed at significant frequency in large population cohorts (gnomAD); In silico analysis supports that this missense variant has a deleterious effect on protein structure/function; Has not been previously published as pathogenic or benign to our knowledge

NM_016529.6(ATP8A2):c.2479G>A (p.Gly827Arg)

Gene: ATP8A2 (ATPase phospholipid transporting 8A2). Cytogenetic location: 13q12.13.
Variant type: single nucleotide variant.
Coding change: c.2479G>A on transcript NM_016529.6 (MANE Select); coding-DNA position 2479, G replaced by A.
Protein change: p.Gly827Arg; replaces glycine 827 with arginine.
Molecular consequence: missense variant.
Genome position (GRCh38, 1-based): chr13:25,769,140, G>A. VCF-style: chr13-25769140-G-A. GRCh37 (hg19) VCF-style: chr13-26343278-G-A.
Other names: c.2359G>A, p.Gly787Arg (NM_001313741.1); c.2479G>A, p.Gly827Arg (NM_001411005.1, NM_001411006.1); short protein forms G787R, G827R.
Identifiers: ClinVar variation 3363654 (VCV003363654.3).